The following is an entry in ClinVar:

ClinVar aggregate classification (germline): Uncertain significance (1 of 4 stars; one submission).

Submission:

Ambry Genetics
Classification: Uncertain significance. Last evaluated: 2023-06-24. Review status: criteria provided, single submitter. Criteria: Ambry Variant Classification Scheme 2023. Collection method: clinical testing. Allele origin: germline.
Comment: The p.G435V variant (also known as c.1304G>T), located in coding exon 9 of the POLQ gene, results from a G to T substitution at nucleotide position 1304. The glycine at codon 435 is replaced by valine, an amino acid with dissimilar properties. This amino acid position is conserved. In addition, the in silico prediction for this alteration is inconclusive. Since supporting evidence is limited at this time, the clinical significance of this alteration remains unclear.

NM_199420.4(POLQ):c.1304G>T (p.Gly435Val)

Gene: POLQ (DNA polymerase theta; minus strand). Cytogenetic location: 3q13.33.
Variant type: single nucleotide variant.
Coding change: c.1304G>T on transcript NM_199420.4 (MANE Select); coding-DNA position 1304, G replaced by T.
Protein change: p.Gly435Val; replaces glycine 435 with valine.
Molecular consequence: missense variant.
Genome position (GRCh38, 1-based): chr3:121,520,035, C>A on the plus strand (G>T on the coding strand, the complement: POLQ is on the minus strand). VCF-style: chr3-121520035-C-A. GRCh37 (hg19) VCF-style: chr3-121238882-C-A.
Other names: short protein forms G435V.
Identifiers: ClinVar variation 2625810 (VCV002625810.2), dbSNP rs2546810241, ClinGen allele CA354119801.